The following continues an entry in ClinVar:

NM_000023.4(SGCA):c.739G>A (p.Val247Met)

Gene: SGCA. ClinVar aggregate classification (germline): Pathogenic. Pathogenic (1).

Submissions 10 to 24 of 28:

Myriad Genetics, Inc.
Classification: Pathogenic for Autosomal recessive limb-girdle muscular dystrophy type 2D. Last evaluated: 2024-08-30. Review status: criteria provided, single submitter. Criteria: Myriad Autosomal Dominant, Autosomal Recessive and X-Linked Classification Criteria (2023). Collection method: clinical testing. Allele origin: unknown. Not counted in ClinVar's aggregate classification.
Comment: NM_000023.2(SGCA):c.739G>A(V247M) is a missense variant classified as pathogenic in the context of alpha-sarcoglycanopathy. V247M has been observed in cases with relevant disease (PMID: 37273706, 12566530, 31953240, 30919934, 27848944, 34281632). Relevant functional assessments of this variant are available in the literature (PMID: 18535179). V247M has been observed in referenced population frequency databases. In summary, NM_000023.2(SGCA):c.739G>A(V247M) is a missense variant that has functional support for pathogenicity and has been observed more frequently in cases with the relevant disease than in healthy populations. Please note: this variant was assessed in the context of healthy population screening.

Institute of Human Genetics, University of Leipzig Medical Center
Classification: Pathogenic for Autosomal recessive limb-girdle muscular dystrophy type 2D. Last evaluated: 2024-08-08. Review status: criteria provided, single submitter. Criteria: ACMG Guidelines, 2015. Collection method: clinical testing. Allele origin: unknown. Inheritance: Autosomal recessive inheritance. Affected: yes. Not counted in ClinVar's aggregate classification.
Comment: Criteria applied: PM3_VSTR,PS3,PM2_SUP,PP3

Baylor Genetics
Classification: Pathogenic for Autosomal recessive limb-girdle muscular dystrophy type 2D. Last evaluated: 2024-03-28. Review status: criteria provided, single submitter. Criteria: ACMG Guidelines, 2015. Collection method: clinical testing. Allele origin: unknown. Not counted in ClinVar's aggregate classification.

Kariminejad - Najmabadi Pathology & Genetics Center
Classification: Pathogenic for Autosomal recessive limb-girdle muscular dystrophy type 2D. Last evaluated: 2024-02-22. Review status: criteria provided, single submitter. Criteria: ACMG Guidelines, 2015. Collection method: clinical testing. Allele origin: germline. Inheritance: Autosomal recessive inheritance. Affected: yes. Not counted in ClinVar's aggregate classification.
Comment: (PS3_supporting, PM3?,PM1,PM2,PP3,PP5?)

3billion
Classification: Pathogenic for Autosomal recessive limb-girdle muscular dystrophy type 2D. Last evaluated: 2023-08-04. Review status: criteria provided, single submitter. Criteria: ACMG Guidelines, 2015. Collection method: clinical testing. Allele origin: germline. Affected: yes. Not counted in ClinVar's aggregate classification.
Comment: The variant is observed at an extremely low frequency in the gnomAD v2.1.1 dataset (total allele frequency: 0.012%). Predicted Consequence/Location: Missense variant Functional studies provide strong evidence of the variant having a damaging effect on the gene or gene product (PMID: 18535179, 22095924). In silico tool predictions suggest damaging effect of the variant on gene or gene product (REVEL: 0.67; 3Cnet: 0.40). Same nucleotide change resulting in same amino acid change has been previously reported as pathogenic/likely pathogenic with strong evidence (ClinVar ID: VCV000167677 /PMID: 7663524). Therefore, this variant is classified as Pathogenic according to the recommendation of ACMG/AMP guideline.

Genome-Nilou Lab
Classification: Likely pathogenic for Autosomal recessive limb-girdle muscular dystrophy type 2D. Last evaluated: 2023-02-08. Review status: criteria provided, single submitter. Criteria: ACMG Guidelines, 2015. Collection method: clinical testing. Allele origin: germline. Not counted in ClinVar's aggregate classification.

Department of Pathology and Laboratory Medicine, Sinai Health System
Classification: Pathogenic for Autosomal recessive limb-girdle muscular dystrophy type 2D. Last evaluated: 2023-01-04. Review status: criteria provided, single submitter. Criteria: ACMG Guidelines, 2015. Collection method: research. Allele origin: germline. Not counted in ClinVar's aggregate classification.

GeneDx
Classification: Pathogenic. Last evaluated: 2022-12-05. Review status: criteria provided, single submitter. Criteria: GeneDx Variant Classification Process June 2021. Collection method: clinical testing. Allele origin: germline. Affected: yes. Not counted in ClinVar's aggregate classification.
Comment: Published functional studies demonstrate a damaging effect as V247M results in the degradation of the SGCA protein through the ERAD-LM pathway prior to leaving the endoplasmic reticulum (Bianchini et al., 2014); This variant is associated with the following publications: (PMID: 18285821, 26934379, 7663524, 34598035, 22095924, 26453141, 10942431, 18996010, 17994539, 15298081, 29351619, 30919934, 31517061, 31407473, 34426522, 31589614, 31953240, 25214167, 32528171, 33726816, 33458577, 24565866)

Women's Health and Genetics/Laboratory Corporation of America, LabCorp
Classification: Pathogenic for Autosomal recessive limb-girdle muscular dystrophy. Last evaluated: 2022-06-24. Review status: criteria provided, single submitter. Criteria: LabCorp Variant Classification Summary - May 2015. Collection method: clinical testing. Allele origin: germline. Not counted in ClinVar's aggregate classification.
Comment: Variant summary: SGCA c.739G>A (p.Val247Met) results in a conservative amino acid change in the encoded protein sequence. Four of five in-silico tools predict a damaging effect of the variant on protein function. The variant allele was found at a frequency of 0.00011 in 250728 control chromosomes (gnomAD and publication data). This frequency is not significantly higher than expected for a pathogenic variant in SGCA causing Limb-Girdle Muscular Dystrophy, Autosomal Recessive (0.00011 vs 0.002), allowing no conclusion about variant significance. c.739G>A has been reported in the literature in multiple individuals affected with Limb-Girdle Muscular Dystrophy, Autosomal Recessive, including homozygotes (Piccolo_1995, Soheili_2012, Magri_2015). These data indicate that the variant is very likely to be associated with disease. Functional studies report experimental evidence evaluating an impact on protein function and this variant results in dramatic reduction of the mutated protein and the absence of the sarcoglycan complex from the cell surface (Gastaldello_2008, Soheili_2012, Bianchini_2014). Fifteen ClinVar submitters (evaluation after 2014) cite the variant as pathogenic/likely pathogenic. Based on the evidence outlined above, the variant was classified as pathogenic.

CeGaT Center for Human Genetics Tuebingen
Classification: Pathogenic. Last evaluated: 2022-02-01. Review status: criteria provided, single submitter. Criteria: CeGaT Center For Human Genetics Tuebingen Variant Classification Criteria Version 2. Collection method: clinical testing. Allele origin: germline. Affected: yes. Observed: 2 variant alleles. Not counted in ClinVar's aggregate classification.

Athena Diagnostics
Classification: Pathogenic. Last evaluated: 2022-01-14. Review status: criteria provided, single submitter. Criteria: Athena Diagnostics Criteria. Collection method: clinical testing. Allele origin: unknown. Not counted in ClinVar's aggregate classification.
Comment: The frequency of this variant in the general population is consistent with pathogenicity. (Genome Aggregation Database (gnomAD), Cambridge, MA (URL)) This variant has been identified in multiple unrelated individuals with clinical features associated with this gene. Assessment of experimental evidence suggests this variant results in abnormal protein function. This variant was shown to reduce protein expression and interfere with membrane localization (PMID: 18535179, 22095924). In multiple individuals, this variant has been seen with a single recessive pathogenic variant in the same gene, suggesting this variant may also be pathogenic.

Laboratorio de Genetica e Diagnostico Molecular, Hospital Israelita Albert Einstein
Classification: Pathogenic. Last evaluated: 2020-12-03. Review status: criteria provided, single submitter. Criteria: ACMG Guidelines, 2015. Collection method: clinical testing. Allele origin: germline. Affected: yes. Not counted in ClinVar's aggregate classification.
Comment: ACMG classification criteria: PS3, PS4, PM2, PM3

Institute of Human Genetics Munich, TUM University Hospital
Classification: Pathogenic for Autosomal recessive limb-girdle muscular dystrophy type 2D. Last evaluated: 2020-01-16. Review status: criteria provided, single submitter. Criteria: Classification criteria August 2017. Collection method: clinical testing. Allele origin: germline. Inheritance: Autosomal recessive inheritance. Affected: yes. Observed: 1 compound heterozygote. Not counted in ClinVar's aggregate classification.

James R Lupski Laboratory, Baylor College Of Medicine
Classification: Pathogenic for Autosomal recessive limb-girdle muscular dystrophy type 2D. Last evaluated: 2019-07-01. Review status: criteria provided, single submitter. Criteria: ACMG Guidelines, 2015. Collection method: research. Allele origin: germline. Inheritance: Autosomal recessive inheritance. Affected: yes. Observed: 3 variant alleles, 3 homozygotes. Clinical features observed: Proximal muscle weakness (HP:0003701), Elevated circulating creatine kinase activity (HP:0003236). Not counted in ClinVar's aggregate classification.

Clinical Genetics and Genomics, Karolinska University Hospital
Classification: Likely pathogenic. Last evaluated: 2018-12-07. Review status: criteria provided, single submitter. Criteria: ACMG Guidelines, 2015. Collection method: clinical testing. Allele origin: germline. Affected: yes. Observed: 2 variant alleles. Not counted in ClinVar's aggregate classification.